The following is an entry in ClinVar:

NM_001927.4(DES):c.1288G>C (p.Glu430Gln)

Gene: DES (desmin; plus strand). Cytogenetic location: 2q35.
Variant type: single nucleotide variant.
Coding change: c.1288G>C on transcript NM_001927.4 (MANE Select); coding-DNA position 1288, G replaced by C.
Protein change: p.Glu430Gln; replaces glutamic acid 430 with glutamine.
Molecular consequence: missense variant.
Genome position (GRCh38, 1-based): chr2:219,423,820, G>C. VCF-style: chr2-219423820-G-C. GRCh37 (hg19) VCF-style: chr2-220288542-G-C.
Other names: c.1285G>C, p.Glu429Gln (NM_001382708.1); c.856G>C, p.Glu286Gln (NM_001382709.1); c.1219G>C, p.Glu407Gln (NM_001382710.1); c.1267G>C, p.Glu423Gln (NM_001382711.1); c.1288G>C, p.Glu430Gln (NM_001382712.1); c.1018G>C, p.Glu340Gln (NM_001382713.1); short protein forms E429Q, E286Q, E430Q, E340Q, E407Q, E423Q.
Identifiers: ClinVar variation 1509912 (VCV001509912.8), dbSNP rs1042793960, ClinGen allele CA350696804.

ClinVar aggregate classification (germline): Uncertain significance (1 of 4 stars; one submission).

Conditions:
Desmin-related myofibrillar myopathy (MFM1). Also called: Desminopathy; Myofibrillar myopathy 1; Desmin related myopathy (former name); Desmin storage myopathy (former name); MYOFIBRILLAR MYOPATHY WITH ARRHYTHMOGENIC RIGHT VENTRICULAR CARDIOMYOPATHY; DESMIN-RELATED MYOPATHY WITH ARRHYTHMOGENIC RIGHT VENTRICULAR CARDIOMYOPATHY. Identifiers: Orphanet 363543, Orphanet 98909, MedGen C1832370, MONDO:0011076, OMIM 601419.

Submission:

Labcorp Genetics (formerly Invitae), Labcorp
Classification: Uncertain significance for Desmin-related myofibrillar myopathy. Last evaluated: 2021-02-14. Review status: criteria provided, single submitter. Criteria: Invitae Variant Classification Sherloc (09022015). Collection method: clinical testing. Allele origin: germline.
Comment: This sequence change replaces glutamic acid with glutamine at codon 430 of the DES protein (p.Glu430Gln). The glutamic acid residue is moderately conserved and there is a small physicochemical difference between glutamic acid and glutamine. This variant also falls at the last nucleotide of exon 7, which is part of the consensus splice site for this exon. This variant is not present in population databases (ExAC no frequency). In summary, the available evidence is currently insufficient to determine the role of this variant in disease. Therefore, it has been classified as a Variant of Uncertain Significance. Nucleotide substitutions within the consensus splice site are a relatively common cause of aberrant splicing (PMID: 17576681, 9536098). Algorithms developed to predict the effect of missense changes on protein structure and function are either unavailable or do not agree on the potential impact of this missense change (SIFT: "Tolerated"; PolyPhen-2: "Possibly Damaging"; Align-GVGD: "Class C0"). This variant has not been reported in the literature in individuals with DES-related conditions.

Literature cited by the submitters: PubMed 17576681; PubMed 9536098.